The following is an entry in ClinVar:

ClinVar aggregate classification (germline): Uncertain significance (1 of 4 stars; one submission).

Conditions:
Hereditary cancer-predisposing syndrome. Also called: Neoplastic Syndromes, Hereditary; Tumor predisposition; Hereditary Cancer Syndrome; Hereditary neoplastic syndrome. Identifiers: Orphanet 140162, MedGen C0027672, MeSH D009386, MONDO:0015356.

Submission:

Ambry Genetics
Classification: Uncertain significance for Hereditary cancer-predisposing syndrome. Last evaluated: 2025-09-06. Review status: criteria provided, single submitter. Criteria: Ambry Variant Classification Scheme 2023. Collection method: clinical testing. Allele origin: germline.
Comment: The p.A259E variant (also known as c.776C>A), located in coding exon 1 of the AXIN2 gene, results from a C to A substitution at nucleotide position 776. The alanine at codon 259 is replaced by glutamic acid, an amino acid with dissimilar properties. This amino acid position is conserved. In addition, the in silico prediction for this alteration is inconclusive. Based on the available evidence, the clinical significance of this variant remains unclear.

NM_004655.4(AXIN2):c.776C>A (p.Ala259Glu)

Gene: AXIN2 (axin 2; minus strand). Cytogenetic location: 17q24.1.
Variant type: single nucleotide variant.
Coding change: c.776C>A on transcript NM_004655.4 (MANE Select); coding-DNA position 776, C replaced by A.
Protein change: p.Ala259Glu; replaces alanine 259 with glutamic acid.
Molecular consequence: missense variant.
Genome position (GRCh38, 1-based): chr17:65,557,845, G>T on the plus strand (C>A on the coding strand, the complement: AXIN2 is on the minus strand). VCF-style: chr17-65557845-G-T. GRCh37 (hg19) VCF-style: chr17-63553963-G-T.
Other names: c.776C>A, p.Ala259Glu (NM_001363813.1); short protein forms A259E.
Identifiers: ClinVar variation 4188577 (VCV004188577.1).